The following is an entry in ClinVar:

NM_000051.4(ATM):c.3693A>T (p.Leu1231Phe)

Gene: ATM (ATM serine/threonine kinase; plus strand). Cytogenetic location: 11q22.3.
Variant type: single nucleotide variant.
Coding change: c.3693A>T on transcript NM_000051.4 (MANE Select); coding-DNA position 3693, A replaced by T.
Protein change: p.Leu1231Phe; replaces leucine 1231 with phenylalanine.
Molecular consequence: missense variant.
Genome position (GRCh38, 1-based): chr11:108,282,826, A>T. VCF-style: chr11-108282826-A-T. GRCh37 (hg19) VCF-style: chr11-108153553-A-T.
Other names: c.3693A>T, p.Leu1231Phe (NM_001351834.2); short protein forms L1231F.
Identifiers: ClinVar variation 824079 (VCV000824079.5), dbSNP rs1372849076, ClinGen allele CA382523512.
Genomic context (GRCh38, chr11:108,282,826, plus strand): 5'-ATCTCATTTAGATTATCTGGTTTTGGAATGGCTAAATCTTCAAGATACTGAATACAACTT[A>T]TCTTCTTTTCCTTTTATTTTATTAAACTACACAAATATTGAGGATTTCTATAGGTAAGTT-3'
Protein context (NP_000042.3, residues 1221-1241): WLNLQDTEYN[Leu1231Phe]SSFPFILLNY

ClinVar aggregate classification (germline): Uncertain significance. Review status: criteria provided, multiple submitters, no conflicts (2 of 4 stars). 2 submissions from 2 submitters: Uncertain significance (2). Last evaluated 2025-12-17.

Conditions:
Ataxia-telangiectasia syndrome (AT). Also called: ATAXIA-TELANGIECTASIA, COMPLEMENTATION GROUP A; ATAXIA-TELANGIECTASIA, FRESNO VARIANT; Ataxia-telangiectasia, complementation group E; Ataxia telangiectasia (A-T); LOUIS-BAR SYNDROME; Cerebello-oculocutaneous telangiectasia. Identifiers: Orphanet 100, MedGen C0004135, MONDO:0008840, OMIM 208900.
Hereditary cancer-predisposing syndrome. Also called: Neoplastic Syndromes, Hereditary; Hereditary Cancer Syndrome; Hereditary neoplastic syndrome; Tumor predisposition. Identifiers: Orphanet 140162, MedGen C0027672, MeSH D009386, MONDO:0015356.

Submissions (2):

Labcorp Genetics (formerly Invitae), Labcorp
Classification: Uncertain significance for Ataxia-telangiectasia syndrome. Last evaluated: 2025-12-17. Review status: criteria provided, single submitter. Criteria: Invitae Variant Classification Sherloc (09022015). Collection method: clinical testing. Allele origin: germline.
Comment: This sequence change replaces leucine, which is neutral and non-polar, with phenylalanine, which is neutral and non-polar, at codon 1231 of the ATM protein (p.Leu1231Phe). This variant is not present in population databases (gnomAD no frequency). This variant has not been reported in the literature in individuals affected with ATM-related conditions. ClinVar contains an entry for this variant (Variation ID: 824079). Invitae Evidence Modeling of protein sequence and biophysical properties (such as structural, functional, and spatial information, amino acid conservation, physicochemical variation, residue mobility, and thermodynamic stability) indicates that this missense variant is not expected to disrupt ATM protein function with a negative predictive value of 95%. In summary, the available evidence is currently insufficient to determine the role of this variant in disease. Therefore, it has been classified as a Variant of Uncertain Significance.

Ambry Genetics
Classification: Uncertain significance for Hereditary cancer-predisposing syndrome. Last evaluated: 2019-08-08. Review status: criteria provided, single submitter. Criteria: Ambry Variant Classification Scheme 2023. Collection method: clinical testing. Allele origin: germline.
Comment: The p.L1231F variant (also known as c.3693A>T), located in coding exon 24 of the ATM gene, results from an A to T substitution at nucleotide position 3693. The leucine at codon 1231 is replaced by phenylalanine, an amino acid with highly similar properties. This amino acid position is well conserved in available vertebrate species. In addition, the in silico prediction for this alteration is inconclusive. Since supporting evidence is limited at this time, the clinical significance of this alteration remains unclear.